The following is an entry in ClinVar:

ClinVar aggregate classification (germline): Benign. Review status: criteria provided, multiple submitters, no conflicts (2 of 4 stars). 3 submissions from 3 submitters: Benign (2). 1 of the submissions does not count toward it. Last evaluated 2026-01-14.

Conditions:
TUBGCP6-related disorder. Also called: TUBGCP6-related condition.

Allele frequency attached by ClinVar (database versions not stated): gnomAD exomes 0.00106; 1000 Genomes Project 0.00120; gnomAD 0.00136.

Submissions (3):

Labcorp Genetics (formerly Invitae), Labcorp
Classification: Benign. Last evaluated: 2026-01-14. Review status: criteria provided, single submitter. Criteria: Invitae Variant Classification Sherloc (09022015). Collection method: clinical testing. Allele origin: germline.

CeGaT Center for Human Genetics Tuebingen
Classification: Benign. Last evaluated: 2024-03-01. Review status: criteria provided, single submitter. Criteria: CeGaT Center For Human Genetics Tuebingen Variant Classification Criteria Version 2. Collection method: clinical testing. Allele origin: germline. Affected: yes. Observed: 1 variant allele.
Comment: TUBGCP6: BP4, BS1, BS2

PreventionGenetics, part of Exact Sciences
Classification: Likely benign for TUBGCP6-related condition. Last evaluated: 2020-02-19. Review status: no assertion criteria provided. Collection method: clinical testing. Allele origin: germline. Not counted in ClinVar's aggregate classification.
Comment: This variant is classified as likely benign based on ACMG/AMP sequence variant interpretation guidelines (Richards et al. 2015 PMID: 25741868, with internal and published modifications).

NM_020461.4(TUBGCP6):c.3496G>A (p.Asp1166Asn)

Gene: TUBGCP6 (tubulin gamma complex component 6; minus strand). Cytogenetic location: 22q13.33.
Variant type: single nucleotide variant.
Coding change: c.3496G>A on transcript NM_020461.4 (MANE Select); coding-DNA position 3496, G replaced by A.
Protein change: p.Asp1166Asn; replaces aspartic acid 1166 with asparagine.
Molecular consequence: missense variant.
Genome position (GRCh38, 1-based): chr22:50,220,863, C>T on the plus strand (G>A on the coding strand, the complement: TUBGCP6 is on the minus strand). VCF-style: chr22-50220863-C-T. GRCh37 (hg19) VCF-style: chr22-50659292-C-T.
Other names: short protein forms D1166N.
Identifiers: ClinVar variation 709383 (VCV000709383.32), dbSNP rs3747943, ClinGen allele CA10307927.